The following is an entry in ClinVar:

NM_015259.6(ICOSLG):c.713A>G (p.Glu238Gly)

Gene: ICOSLG (inducible T cell costimulator ligand; minus strand). Cytogenetic location: 21q22.3.
Variant type: single nucleotide variant.
Coding change: c.713A>G on transcript NM_015259.6 (MANE Select); coding-DNA position 713, A replaced by G.
Protein change: p.Glu238Gly; replaces glutamic acid 238 with glycine.
Molecular consequence: missense variant.
Genome position (GRCh38, 1-based): chr21:44,231,429, T>C on the plus strand (A>G on the coding strand, the complement: ICOSLG is on the minus strand). VCF-style: chr21-44231429-T-C. GRCh37 (hg19) VCF-style: chr21-45651312-T-C.
Other names: c.713A>G, p.Glu238Gly (NM_001283050.2, NM_001395918.1); c.362A>G, p.Glu121Gly (NM_001283051.2); c.458A>G, p.Glu153Gly (NM_001283052.2); c.632A>G, p.Glu211Gly (NM_001365759.2); c.713A>G (NM_015259.4); short protein forms E121G, E238G, E211G, E153G.
Identifiers: ClinVar variation 2057358 (VCV002057358.5), dbSNP rs2517839545, ClinGen allele CA410613648.

ClinVar aggregate classification (germline): Uncertain significance. Review status: criteria provided, multiple submitters, no conflicts (2 of 4 stars). 2 submissions from 2 submitters: Uncertain significance (2). Last evaluated 2025-07-09.

Submissions (2):

Labcorp Genetics (formerly Invitae), Labcorp
Classification: Uncertain significance. Last evaluated: 2025-07-09. Review status: criteria provided, single submitter. Criteria: Invitae Variant Classification Sherloc (09022015). Collection method: clinical testing. Allele origin: germline.
Comment: This sequence change replaces glutamic acid, which is acidic and polar, with glycine, which is neutral and non-polar, at codon 238 of the ICOSLG protein (p.Glu238Gly). This variant is not present in population databases (gnomAD no frequency). This variant has not been reported in the literature in individuals affected with ICOSLG-related conditions. ClinVar contains an entry for this variant (Variation ID: 2057358). An algorithm developed to predict the effect of missense changes on protein structure and function (PolyPhen-2) suggests that this variant is likely to be tolerated. In summary, the available evidence is currently insufficient to determine the role of this variant in disease. Therefore, it has been classified as a Variant of Uncertain Significance.

Ambry Genetics
Classification: Uncertain significance. Last evaluated: 2024-01-08. Review status: criteria provided, single submitter. Criteria: Ambry Variant Classification Scheme 2023. Collection method: clinical testing. Allele origin: germline.